The following is an entry in ClinVar:

NM_007194.4(CHEK2):c.1052A>C (p.Glu351Ala)

Gene: CHEK2 (checkpoint kinase 2; minus strand). Cytogenetic location: 22q12.1.
Variant type: single nucleotide variant.
Coding change: c.1052A>C on transcript NM_007194.4 (MANE Select); coding-DNA position 1052, A replaced by C.
Protein change: p.Glu351Ala; replaces glutamic acid 351 with alanine.
Molecular consequence: missense variant. On other transcripts: intron variant (3).
Genome position (GRCh38, 1-based): chr22:28,696,944, T>G on the plus strand (A>C on the coding strand, the complement: CHEK2 is on the minus strand). VCF-style: chr22-28696944-T-G. GRCh37 (hg19) VCF-style: chr22-29092932-T-G.
Other names: c.1181A>C, p.Glu394Ala (NM_001005735.3); c.389A>C, p.Glu130Ala (NM_001257387.3, NM_001437942.1); c.851A>C, p.Glu284Ala (NM_001349956.3); c.1145A>C, p.Glu382Ala (NM_001438293.1); c.1009-1071A>C (NM_145862.3); c.1102-1071A>C (NM_001438295.1); c.1138-1071A>C (NM_001438294.1); short protein forms E351A, E130A, E284A, E394A, E382A.
Identifiers: ClinVar variation 186366 (VCV000186366.22), dbSNP rs786202893, ClinGen allele CA194626.

ClinVar aggregate classification (germline): Uncertain significance. Review status: criteria provided, multiple submitters, no conflicts (2 of 4 stars). 5 submissions from 5 submitters: Uncertain significance (5). Last evaluated 2026-02-01.

Conditions:
Predisposition to cancer.
Hereditary cancer-predisposing syndrome. Also called: Neoplastic Syndromes, Hereditary; Tumor predisposition; Hereditary Cancer Syndrome; Hereditary neoplastic syndrome. Identifiers: Orphanet 140162, MedGen C0027672, MeSH D009386, MONDO:0015356.
Familial cancer of breast. Also called: BREAST CANCER, FAMILIAL; Hereditary breast cancer; hereditary breast carcinoma. Identifiers: Orphanet 227535, MedGen C0346153, MONDO:0016419, OMIM 114480. Disease mechanism: loss of function.

Allele frequency attached by ClinVar (database versions not stated): gnomAD exomes below 0.00001; TOPMed below 0.00001; gnomAD 0.00001.
gnomAD v4.1: 2 of 1,613,538 alleles (0.00012%); highest among the groups gnomAD compares: Non-Finnish European, 0.00017%; no homozygotes.

Submissions (5):

Labcorp Genetics (formerly Invitae), Labcorp
Classification: Uncertain significance for Familial cancer of breast. Last evaluated: 2026-02-01. Review status: criteria provided, single submitter. Criteria: Invitae Variant Classification Sherloc (09022015). Collection method: clinical testing. Allele origin: germline.
Comment: This sequence change replaces glutamic acid, which is acidic and polar, with alanine, which is neutral and non-polar, at codon 351 of the CHEK2 protein (p.Glu351Ala). This variant is present in population databases (rs786202893, gnomAD 0.0009%). This variant has not been reported in the literature in individuals affected with CHEK2-related conditions. ClinVar contains an entry for this variant (Variation ID: 186366). An algorithm developed to predict the effect of missense changes on protein structure and function (PolyPhen-2) suggests that this variant is likely to be disruptive. Experimental studies are conflicting or provide insufficient evidence to determine the effect of this variant on CHEK2 function (PMID: 37449874). In summary, the available evidence is currently insufficient to determine the role of this variant in disease. Therefore, it has been classified as a Variant of Uncertain Significance.

Color Diagnostics, LLC DBA Color Health
Classification: Uncertain significance for Hereditary cancer-predisposing syndrome. Last evaluated: 2025-06-05. Review status: criteria provided, single submitter. Criteria: ACMG Guidelines, 2015. Collection method: clinical testing. Allele origin: germline.
Comment: This missense variant replaces glutamic acid with alanine at codon 351 of the CHEK2 protein. Computational prediction is inconclusive regarding the impact of this variant on protein structure and function. To our knowledge, functional studies have not been reported for this variant. This variant has been reported in an individual affected with breast cancer in the literature (PMID: 25186627). This variant has been identified in 1/251292 chromosomes in the general population by the Genome Aggregation Database (gnomAD). The available evidence is insufficient to determine the role of this variant in disease conclusively. Therefore, this variant is classified as a Variant of Uncertain Significance.

Ambry Genetics
Classification: Uncertain significance for Hereditary cancer-predisposing syndrome. Last evaluated: 2024-08-29. Review status: criteria provided, single submitter. Criteria: Ambry Variant Classification Scheme 2023. Collection method: clinical testing. Allele origin: germline.
Comment: The p.E351A variant (also known as c.1052A>C), located in coding exon 9 of the CHEK2 gene, results from an A to C substitution at nucleotide position 1052. The glutamic acid at codon 351 is replaced by alanine, an amino acid with dissimilar properties. This variant was observed in an individual with early onset-breast cancer amongst a cohort of 1781 non-Ashkenazi Jewish individuals undergoing BRCA1/2 gene testing based on a personal history of breast cancer (Tung N et al. Cancer, 2015 Jan;121:25-33). This amino acid position is highly conserved in available vertebrate species. In addition, the in silico prediction for this alteration is inconclusive. Based on the available evidence, the clinical significance of this variant remains unclear.

Baylor Genetics
Classification: Uncertain significance for Familial cancer of breast. Last evaluated: 2023-10-14. Review status: criteria provided, single submitter. Criteria: ACMG Guidelines, 2015. Collection method: clinical testing. Allele origin: unknown.

St. Jude Molecular Pathology, St. Jude Children's Research Hospital
Classification: Uncertain significance for Predisposition to cancer. Last evaluated: 2022-07-07. Review status: criteria provided, single submitter. Criteria: St. Jude Assertion Criteria 2020. Collection method: clinical testing. Allele origin: germline.
Comment: The CHEK2 c.1052A>C (p.Glu351Ala) missense change has a maximum subpopulation frequency of 0.00088% in gnomAD v2.1.1. The in silico tool REVEL is inconclusive about a pathogenic or benign effect of this variant on protein function, and to our knowledge functional studies have not been performed. This variant has been reported in an individual with breast cancer (PMID: 25186627). This variant is absent in a database of women older than 70 years of age who have never had cancer (FLOSSIES). In summary, the evidence currently available is insufficient to determine the clinical significance of this variant. It has therefore been classified as of uncertain significance.

Literature cited by the submitters: PubMed 37449874 (cited by Labcorp Genetics (formerly Invitae), Labcorp); PubMed 25186627 (cited by Color Diagnostics, LLC DBA Color Health and Ambry Genetics).